The following is an entry in ClinVar:

NM_006019.4(TCIRG1):c.117+4A>T

Gene: TCIRG1 (T cell immune regulator 1, ATPase H+ transporting V0 subunit a3; plus strand). Cytogenetic location: 11q13.2.
Variant type: single nucleotide variant.
Coding change: c.117+4A>T on transcript NM_006019.4 (MANE Select); 4 bases into the intron after coding-DNA position 117, A replaced by T.
Molecular consequence: intron variant.
Genome position (GRCh38, 1-based): chr11:68,041,392, A>T. VCF-style: chr11-68041392-A-T. GRCh37 (hg19) VCF-style: chr11-67808859-A-T.
Other names: IVS2AS, A-T, +4; c.-1133+4A>T (NM_001351059.2).
Identifiers: ClinVar variation 5462 (VCV000005462.27), dbSNP rs751881962, ClinGen allele CA6146640.

ClinVar aggregate classification (germline): Pathogenic/Likely pathogenic. Review status: criteria provided, multiple submitters, no conflicts (2 of 4 stars). 14 submissions from 14 submitters: Pathogenic (11); Likely pathogenic (1). 2 of the submissions do not count toward it. Last evaluated 2026-08-01.

Conditions:
Autosomal recessive osteopetrosis. Also called: Autosomal Recessive Osteopetrosis (ARO). Identifiers: Orphanet 667, MedGen C4272578, MONDO:0019026.
TCIRG1-related disorder. Also called: TCIRG1-related condition.
Inborn genetic diseases. Identifiers: MedGen C0950123, MeSH D030342.
Autosomal recessive osteopetrosis 1. Also called: TCIRG1-Related Autosomal Recessive Osteopetrosis; ALBERS-SCHONBERG DISEASE, AUTOSOMAL RECESSIVE; TCIRG1-Related Osteopetrosis. Identifiers: Orphanet 667, MedGen C1850127, MONDO:0009815, OMIM 259700.

Allele frequency attached by ClinVar (database versions not stated): TOPMed 0.00004.
gnomAD v4.1: 56 of 1,603,244 alleles (0.0035%); highest among the groups gnomAD compares: Non-Finnish European, 0.001%; no homozygotes.

Submissions (14):

CeGaT Center for Human Genetics Tuebingen
Classification: Pathogenic. Last evaluated: 2026-08-01. Review status: criteria provided, single submitter. Criteria: CeGaT Center For Human Genetics Tuebingen Variant Classification Criteria Version 2. Collection method: clinical testing. Allele origin: germline. Affected: yes. Observed: 1 variant allele.
Comment: TCIRG1: PM3:Strong, PS1, PM2, PP3

GeneDx
Classification: Pathogenic. Last evaluated: 2026-02-02. Review status: criteria provided, single submitter. Criteria: GeneDx Variant Classification Process June 2021. Collection method: clinical testing. Allele origin: germline. Affected: yes.
Comment: RNA studies demonstrate aberrant splicing (PMID: 24989235); In silico analysis supports a deleterious effect on splicing; This variant is associated with the following publications: (PMID: 15300850, 30537558, 25525159, 10942435, 24989235, 25046648)

Labcorp Genetics (formerly Invitae), Labcorp
Classification: Pathogenic. Last evaluated: 2026-01-26. Review status: criteria provided, single submitter. Criteria: Invitae Variant Classification Sherloc (09022015). Collection method: clinical testing. Allele origin: germline.
Comment: This sequence change falls in intron 2 of the TCIRG1 gene. It does not directly change the encoded amino acid sequence of the TCIRG1 protein. RNA analysis indicates that this variant induces altered splicing and likely results in the loss of 14 amino acid residue(s), but is expected to preserve the integrity of the reading-frame. This variant is present in population databases (rs751881962, gnomAD 0.09%). This variant has been observed in individuals with autosomal recessive osteopetrosis (PMID: 10942435, 15300850, 19507210, 24989235). This variant is also known as IVS2+4A>T. ClinVar contains an entry for this variant (Variation ID: 5462). Variants that disrupt the consensus splice site are a relatively common cause of aberrant splicing (PMID: 17576681, 9536098). Studies have shown that this variant results in the activation of a cryptic splice site in 2 (PMID: 10942435, 24989235). For these reasons, this variant has been classified as Pathogenic.

Natera, Inc.
Classification: Pathogenic for Infantile malignant osteopetrosis. Last evaluated: 2025-12-30. Review status: criteria provided, single submitter. Criteria: Natera Variant Classification Schema (03/2026). Collection method: clinical testing. Allele origin: germline.
Comment: The c.117+4A>T variant in TCIRG1 is an intronic variant located outside the canonical splice sites. This variant is rare in the general population with a frequency below the threshold expected for the associated phenotype(s). This variant has been observed in one or more individuals affected with the associated recessive disease, as either homozygous or compound heterozygous with a second variant (PMID: 15300850). Given the available evidence, this variant is classified as Pathogenic.

PreventionGenetics, part of Exact Sciences
Classification: Pathogenic for TCIRG1-related condition. Last evaluated: 2025-08-26. Review status: criteria provided, single submitter. Criteria: ACMG Guidelines, 2015. Collection method: clinical testing. Allele origin: germline.
Comment: The TCIRG1 c.117+4A>T variant is predicted to interfere with splicing. This variant in the homozygous or compound heterozygous condition has been found in multiple patients with autosomal recessive osteopetrosis, and a functional study suggested that this variant causes splicing defects (Susani et al. 2004. PubMed ID: 15300850; Kornak et al. 2000. PubMed ID: 10942435). This variant is reported in 0.090% of alleles in individuals of Ashkenazi Jewish descent in gnomAD, and has been reported to be a founder mutation in this population (Anderson et al. 2015. PubMed ID: 24989235). This variant is interpreted as pathogenic.

3billion
Classification: Pathogenic for Autosomal recessive osteopetrosis 1. Last evaluated: 2024-11-15. Review status: criteria provided, single submitter. Criteria: ACMG Guidelines, 2015. Collection method: clinical testing. Allele origin: germline. Affected: yes.
Comment: The variant is observed at an extremely low frequency in the gnomAD v4.1.0 dataset (total allele frequency: 0.003%). Predicted Consequence/Location: Intron variant: previously reported to result in an inframe deletion located in a critical region of the funtional domain (PMID: 15300850, 10942435, 24989235) In silico tools predict the variant to alter splicing and produce an abnormal transcript [SpliceAI: 0.67 (spliceogenicity >=0.2, non-spliceogenicity <0.1)]. Intron variant: previously reported to result in an inframe deletion located in a critical region of the funtional domain (PMID: 15300850, 10942435, 24989235) Therefore, this variant is classified as Pathogenic according to the recommendation of ACMG/AMP guideline.

Victorian Clinical Genetics Services, Murdoch Childrens Research Institute
Classification: Pathogenic for Autosomal recessive osteopetrosis 1. Last evaluated: 2024-09-19. Review status: criteria provided, single submitter. Criteria: ACMG Guidelines, 2015. Collection method: clinical testing. Allele origin: germline. Inheritance: Autosomal recessive inheritance. Affected: yes.
Comment: Based on the classification scheme VCGS_Germline_v1.3.4, this variant is classified as Pathogenic. Following criteria are met: 0102 - Loss of function is a known mechanism of disease in this gene and is associated with autosomal recessive osteopetrosis 1 (MIM#259700). (I) 0106 - This gene is associated with autosomal recessive disease. (I) 0115 - Variants in this gene are known to have variable expressivity. Patients may present with variable features (PMID: 17400532). (I) 0210 - Splice site variant proven to affect splicing of the transcript with a known effect on protein sequence. Minigene assay and RT-PCR show this variant results in the activation of an upstream cryptic splice site, causing an in-frame deletion of 14 amino acids in exon 2 and also exon 2 skipping (PMID: 15300850, 10942435, 24989235). (SP) 0251 - This variant is heterozygous. (I) 0304 - Variant is present in gnomAD (v2) <0.01 for a recessive condition (11 heterozygotes, 0 homozygotes). (SP) 0311 - An alternative nucleotide change at the same position is present in gnomAD (v2) at a frequency of 0.0003269 (10 heterozygotes, 0 homozygotes). (I) 0801 - This variant has strong previous evidence of pathogenicity in unrelated individuals. This variant has been classified as pathogenic or likely pathogenic by multiple clinical laboratories in ClinVar, and has been observed in one compound heterozygous individual with osteopetrosis, and five unrelated homozygous individuals with osteopetrosis (PMID: 15300850, 10942435, 24989235). (SP) 1201 - Heterozygous variant detected in trans with a second pathogenic heterozygous variant (NM_006019.2(TCIRG1):c.2066G>A; p.(Trp689*)) in a recessive disease. (I) Legend: (SP) - Supporting pathogenic, (I) - Information, (SB) - Supporting benign

Baylor Genetics
Classification: Pathogenic for Autosomal recessive osteopetrosis 1. Last evaluated: 2024-03-15. Review status: criteria provided, single submitter. Criteria: ACMG Guidelines, 2015. Collection method: clinical testing. Allele origin: unknown.

Fulgent Genetics
Classification: Pathogenic for Autosomal recessive osteopetrosis 1. Last evaluated: 2024-03-06. Review status: criteria provided, single submitter. Criteria: ACMG Guidelines, 2015. Collection method: clinical testing. Allele origin: germline.

Blueprint Genetics
Classification: Pathogenic for TCIRG1-related disorders. Last evaluated: 2024-02-03. Review status: criteria provided, single submitter. Criteria: ACMG Guidelines, 2015. Collection method: clinical testing. Allele origin: germline. Affected: yes. Observed: 3 variant alleles.

Laboratory for Molecular Medicine, Mass General Brigham Personalized Medicine
Classification: Likely pathogenic for Autosomal recessive osteopetrosis. Last evaluated: 2023-12-28. Review status: criteria provided, single submitter. Criteria: ACMG Guidelines, 2015. Collection method: clinical testing. Allele origin: germline. Inheritance: Autosomal recessive inheritance.
Comment: The c.117+4A>T variant in TCIRG1 has been reported in the homozygous state in at least 6 individuals and in the compound heterozygous state with another disease-causing variant in TCIRG1 in 1 individual with osteopetrosis and segregated with disease in 2 affected homozygous relatives from 1 family. This variant is presumed to likely be a founder variant in the Ashkenazi Jewish population where it is estimated to have a carrier frequency of 1 in 350 (Kornak 2000 PMID: 10942435, Susani 2004 PMID: 15300850, Mazzolari 2009 PMID: 19507210, Anderson 2015 PMID: 24989235). This variant has also been reported by other clinical laboratories in ClinVar (Variation ID 5462) and has also been identified in 0.057% (2/3468) of Ashkenazi Jewish chromosomes by gnomAD (v.3.1.2). This variant is located in the 5' splice region. Computational tools predict and impact to splicing and in vitro functional studies using patient fibroblasts and minigene assays have shown that this variant activates an upstream cryptic splice site (also predicted by computational tools) which results in the deletion of 42 nucleotides from the transcript, resulting in the loss of 14 amino acid residues but preserving the integrity of the protein reading-frame (Kornak 2000 PMID: 10942435, Susani 2004 PMID: 15300850). In summary, although additional studies are required to fully establish its clinical significance, this variant meets criteria to be classified as likely pathogenic for autosomal recessive osteopetrosis. ACMG/AMP Criteria applied: PS3_Moderate, PM3, PP1_Moderate.

Ambry Genetics
Classification: Pathogenic for Inborn genetic diseases. Last evaluated: 2022-06-28. Review status: criteria provided, single submitter. Criteria: Ambry Variant Classification Scheme 2023. Collection method: clinical testing. Allele origin: germline.
Comment: The c.117+4A>T intronic alteration consists of an A to T substitution 4 nucleotides after exon 2 (coding exon 1) of the TCIRG1 gene. Based on data from gnomAD, the T allele has an overall frequency of <0.01% (11/248134) total alleles studied. The highest observed frequency was 0.09% (9/9972) of Ashkenazi Jewish alleles. This alteration has been reported in the homozygous state in individuals with features of autosomal recessive osteopetrosis and was shown to segregate with disease in families (Anderson, 2015; Kornak, 2000). Haplotype analysis revealed that the carrier frequency in the Ashkenazi Jewish population is due to a single founder mutation (Anderson, 2015). Functional studies using RT-PCR analysis demonstrated that this alteration affected splicing, resulting in a 14 amino acid deletion located in the N-terminal, intracellular portion of the protein (Kornak, 2000). In silico splice site analysis predicts that this alteration will weaken the native splice donor site and will result in the creation or strengthening of a novel splice donor site. Based on the available evidence, this alteration is classified as pathogenic.

Counsyl
Classification: Likely pathogenic for Autosomal recessive osteopetrosis 1. Last evaluated: 2017-01-26. Review status: no assertion criteria provided. Collection method: clinical testing. Allele origin: unknown. Not counted in ClinVar's aggregate classification.

OMIM
Classification: Pathogenic for OSTEOPETROSIS, AUTOSOMAL RECESSIVE 1. Last evaluated: 2000-08-12. Review status: no assertion criteria provided. Collection method: literature only. Allele origin: germline. Not counted in ClinVar's aggregate classification.

Literature cited by the submitters: PubMed 10942435 (cited by 7 submitters); PubMed 15300850 (cited by 6 submitters); PubMed 19507210 (cited by 3 submitters); PubMed 24989235 (cited by 6 submitters); PubMed 17576681 (cited by Labcorp Genetics (formerly Invitae), Labcorp); PubMed 9536098 (cited by Labcorp Genetics (formerly Invitae), Labcorp); PubMed 17400532 (cited by Victorian Clinical Genetics Services, Murdoch Childrens Research Institute).